The following is an entry in ClinVar:

NM_001267550.2(TTN):c.1837G>A (p.Val613Ile)

Gene: TTN (titin; minus strand). Cytogenetic location: 2q31.2.
Variant type: single nucleotide variant.
Coding change: c.1837G>A on transcript NM_001267550.2 (MANE Select); coding-DNA position 1837, G replaced by A.
Protein change: p.Val613Ile; replaces valine 613 with isoleucine.
Molecular consequence: missense variant.
Genome position (GRCh38, 1-based): chr2:178,790,079, C>T on the plus strand (G>A on the coding strand, the complement: TTN is on the minus strand). VCF-style: chr2-178790079-C-T. GRCh37 (hg19) VCF-style: chr2-179654806-C-T.
Other names: c.1837G>A, p.Val613Ile (NM_001256850.1, NM_133378.4, NM_133379.5); c.1699G>A, p.Val567Ile (NM_003319.4, NM_133432.3, NM_133437.4); short protein forms V567I, V613I.
Identifiers: ClinVar variation 4537619 (VCV004537619.1).

ClinVar aggregate classification (germline): Uncertain significance (1 of 4 stars; one submission).

gnomAD v4.1: 1 of 1,613,054 alleles (0.000062%); highest among the groups gnomAD compares: Non-Finnish European, 0.000085%; no homozygotes.

Submission:

GeneDx
Classification: Uncertain significance. Last evaluated: 2025-06-11. Review status: criteria provided, single submitter. Criteria: GeneDx Variant Classification Process June 2021. Collection method: clinical testing. Allele origin: germline. Affected: yes.
Comment: Not observed at significant frequency in large population cohorts (gnomAD); Missense variant in a gene in which most reported pathogenic variants are truncating/loss of function; Has not been previously published as pathogenic or benign to our knowledge